The following is an entry in ClinVar:

ClinVar aggregate classification (germline): Uncertain significance (1 of 4 stars; one submission).

Submission:

Labcorp Genetics (formerly Invitae), Labcorp
Classification: Uncertain significance. Last evaluated: 2021-04-28. Review status: criteria provided, single submitter. Criteria: Invitae Variant Classification Sherloc (09022015). Collection method: clinical testing. Allele origin: germline.
Comment: In summary, the available evidence is currently insufficient to determine the role of this variant in disease. Therefore, it has been classified as a Variant of Uncertain Significance. Algorithms developed to predict the effect of missense changes on protein structure and function (SIFT, PolyPhen-2, Align-GVGD) all suggest that this variant is likely to be tolerated, but these predictions have not been confirmed by published functional studies and their clinical significance is uncertain. This variant has not been reported in the literature in individuals with MSN-related conditions. This variant is not present in population databases (ExAC no frequency). This sequence change replaces alanine with valine at codon 434 of the MSN protein (p.Ala434Val). The alanine residue is moderately conserved and there is a small physicochemical difference between alanine and valine.

NM_002444.3(MSN):c.1301C>T (p.Ala434Val)

Gene: MSN (moesin; plus strand). Cytogenetic location: Xq12.
Variant type: single nucleotide variant.
Coding change: c.1301C>T on transcript NM_002444.3 (MANE Select); coding-DNA position 1301, C replaced by T.
Protein change: p.Ala434Val; replaces alanine 434 with valine.
Molecular consequence: missense variant.
Genome position (GRCh38, 1-based): chrX:65,738,574, C>T. VCF-style: chrX-65738574-C-T. GRCh37 (hg19) VCF-style: chrX-64958436-C-T.
Other names: short protein forms A434V.
Identifiers: ClinVar variation 1466195 (VCV001466195.8), dbSNP rs2147520207, ClinGen allele CA413413724.
Genomic context (GRCh38, chrX:65,738,574, plus strand): 5'-TTTATCCGTAGGCCTTGGAAATGGCAGAGCTGACAGCTCGAATCTCCCAGCTGGAGATGG[C>T]CCGACAGAAGAAGGAGAGTGAGGCTGTGGAGTGGCAGCAGAAGGTAAGACACAGGGCCTA-3'
Protein context (NP_002435.1, residues 424-444): LTARISQLEM[Ala434Val]RQKKESEAVE